The following is an entry in ClinVar:

NM_000138.5(FBN1):c.2673A>C (p.Gln891His)

Gene: FBN1 (fibrillin 1; minus strand). Cytogenetic location: 15q21.1.
Variant type: single nucleotide variant.
Coding change: c.2673A>C on transcript NM_000138.5 (MANE Select); coding-DNA position 2673, A replaced by C.
Protein change: p.Gln891His; replaces glutamine 891 with histidine.
Molecular consequence: missense variant.
Genome position (GRCh38, 1-based): chr15:48,495,127, T>G on the plus strand (A>C on the coding strand, the complement: FBN1 is on the minus strand). VCF-style: chr15-48495127-T-G. GRCh37 (hg19) VCF-style: chr15-48787324-T-G.
Other names: c.2673A>C, p.Gln891His (NM_001406716.1); short protein forms Q891H.
Identifiers: ClinVar variation 3754083 (VCV003754083.2).

ClinVar aggregate classification (germline): Uncertain significance (1 of 4 stars; one submission).

Conditions:
Marfan syndrome (MFS). Also called: MARFAN SYNDROME, TYPE I; Marfan syndrome type 1; Marfan's syndrome; Marfan syndrome, classic; FBN1-Related Marfan Syndrome. Identifiers: Orphanet 284963, Orphanet 558, MedGen C0024796, MONDO:0007947, OMIM 154700.
Familial thoracic aortic aneurysm and aortic dissection (TAAD). Also called: Thoracic aortic aneurysms and dissections. Identifiers: Orphanet 91387, MedGen C4707243, MONDO:0019625.

Submission:

Labcorp Genetics (formerly Invitae), Labcorp
Classification: Uncertain significance for Marfan syndrome; Familial thoracic aortic aneurysm and aortic dissection. Last evaluated: 2024-04-02. Review status: criteria provided, single submitter. Criteria: Invitae Variant Classification Sherloc (09022015). Collection method: clinical testing. Allele origin: germline.
Comment: This sequence change replaces glutamine, which is neutral and polar, with histidine, which is basic and polar, at codon 891 of the FBN1 protein (p.Gln891His). This variant is not present in population databases (gnomAD no frequency). This variant has not been reported in the literature in individuals affected with FBN1-related conditions. Advanced modeling of protein sequence and biophysical properties (such as structural, functional, and spatial information, amino acid conservation, physicochemical variation, residue mobility, and thermodynamic stability) has been performed at Invitae for this missense variant, however the output from this modeling did not meet the statistical confidence thresholds required to predict the impact of this variant on FBN1 protein function. In summary, the available evidence is currently insufficient to determine the role of this variant in disease. Therefore, it has been classified as a Variant of Uncertain Significance.